The following is an entry in ClinVar:

ClinVar aggregate classification (germline): Uncertain significance (1 of 4 stars; one submission).

Conditions:
Familial adenomatous polyposis 1 (FAP1). Also called: FAMILIAL ADENOMATOUS POLYPOSIS 1, ATTENUATED; POLYPOSIS, ADENOMATOUS INTESTINAL. Identifiers: MedGen C2713442, MONDO:0021056, OMIM 175100. Disease mechanism: loss of function.

Submission:

Labcorp Genetics (formerly Invitae), Labcorp
Classification: Uncertain significance for Familial adenomatous polyposis 1. Last evaluated: 2026-01-25. Review status: criteria provided, single submitter. Criteria: Invitae Variant Classification Sherloc (09022015). Collection method: clinical testing. Allele origin: germline.
Comment: This sequence change replaces valine, which is neutral and non-polar, with alanine, which is neutral and non-polar, at codon 2706 of the APC protein (p.Val2706Ala). This variant is not present in population databases (gnomAD no frequency). This variant has not been reported in the literature in individuals affected with APC-related conditions. ClinVar contains an entry for this variant (Variation ID: 1401549). Invitae Evidence Modeling of protein sequence and biophysical properties (such as structural, functional, and spatial information, amino acid conservation, physicochemical variation, residue mobility, and thermodynamic stability) indicates that this missense variant is not expected to disrupt APC protein function with a negative predictive value of 95%. In summary, the available evidence is currently insufficient to determine the role of this variant in disease. Therefore, it has been classified as a Variant of Uncertain Significance.

NM_000038.6(APC):c.8117T>C (p.Val2706Ala)

Gene: APC (APC regulator of Wnt signaling pathway; plus strand). Cytogenetic location: 5q22.2.
Variant type: single nucleotide variant.
Coding change: c.8117T>C on transcript NM_000038.6 (MANE Select); coding-DNA position 8117, T replaced by C.
Protein change: p.Val2706Ala; replaces valine 2706 with alanine.
Molecular consequence: missense variant.
Genome position (GRCh38, 1-based): chr5:112,843,711, T>C. VCF-style: chr5-112843711-T-C. GRCh37 (hg19) VCF-style: chr5-112179408-T-C.
Other names: c.8117T>C, p.Val2706Ala (NM_001127510.3, NM_001354895.2); c.8063T>C, p.Val2688Ala (NM_001127511.3); c.8171T>C, p.Val2724Ala (NM_001354896.2); c.8147T>C, p.Val2716Ala (NM_001354897.2); c.8042T>C, p.Val2681Ala (NM_001354898.2); c.8033T>C, p.Val2678Ala (NM_001354899.2); c.7994T>C, p.Val2665Ala (NM_001354900.2); c.7940T>C, p.Val2647Ala (NM_001354901.2); and 5 more; short protein forms V2546A, V2615A, V2423A, V2647A, V2681A, V2706A, V2580A, V2605A.
Identifiers: ClinVar variation 1401549 (VCV001401549.8), dbSNP rs1766648353, ClinGen allele CA16038964.